The following is an entry in ClinVar:

NM_032638.5(GATA2):c.1019dup (p.Ala341fs)

Gene: GATA2 (GATA binding protein 2; minus strand). Cytogenetic location: 3q21.3.
Variant type: Duplication.
Coding change: c.1019dup on transcript NM_032638.5 (MANE Select); coding-DNA position 1019, one base duplicated (C; older notation c.1019dupC).
Protein change: p.Ala341fs; shifts the reading frame from alanine 341.
Molecular consequence: frameshift variant. On other transcripts: intron variant (1).
Genome position (GRCh38, 1-based): chr3:128,481,943, G duplicated on the plus strand (C on the coding strand, the reverse complement: GATA2 is on the minus strand). VCF-style (leftmost placement, unchanged base first): chr3-128481942-C-CG. GRCh37 (hg19) VCF-style: chr3-128200785-C-CG.
Other names: c.1019dup, p.Ala341fs (NM_001145661.2); c.1018-41dup (NM_001145662.1); short protein forms A341fs.
Identifiers: ClinVar variation 4082647 (VCV004082647.1).

ClinVar aggregate classification (germline): Likely pathogenic (1 of 4 stars; one submission).

Submission:

GeneDx
Classification: Likely pathogenic. Last evaluated: 2025-03-06. Review status: criteria provided, single submitter. Criteria: GeneDx Variant Classification Process June 2021. Collection method: clinical testing. Allele origin: germline. Affected: yes.
Comment: Frameshift variant predicted to result in abnormal protein length as the last 140 amino acid(s) are replaced with 42 different amino acid(s), and other similar variants have been reported in HGMD; Not observed at significant frequency in large population cohorts (gnomAD); Has not been previously published as pathogenic or benign to our knowledge